The following continues an entry in ClinVar:

NM_000257.4(MYH7):c.715G>A (p.Asp239Asn)

Gene: MYH7. ClinVar aggregate classification (germline): Likely pathogenic. Likely pathogenic (1).

Submissions 7 to 13 of 13:

Laboratory for Molecular Medicine, Mass General Brigham Personalized Medicine
Classification: Pathogenic for Hypertrophic cardiomyopathy. Last evaluated: 2023-11-14. Review status: criteria provided, single submitter. Criteria: ACMG Guidelines, 2015. Collection method: clinical testing. Allele origin: germline. Inheritance: Autosomal dominant inheritance. Not counted in ClinVar's aggregate classification.
Comment: The p.Asp239Asn variant in MYH7 has been identified in at least 15 individuals with hypertrophic cardiomyopathy (HCM) and segregated with disease in 7 affected relatives (Iascone 2007 PMID: 17438619, Kaski 2009 PMID: 20031618, Garcia-Pavia 2011 PMID: 21896538, Homburger 2016 PMID: 27247418, Adler 2016 PMID: 26743238, Murphy 2016 PMID: 26914223, Walsh 2017 PMID: 27532257, Ross 2017 PMID: 28615295, LMM data). It has also been identified in 1/34592 of Latino chromosomes by gnomAD (v.2.1.1). An in vitro functional study supports an impact on protein function (Adhikari 2016 PMID: 27974200). Of note, this variant lies in the head region of the protein and missense variants in this region are statistically more likely to be disease-associated (Walsh 2017 PMID: 27532257). Additionally, this variant was classified as likely pathogenic by the ClinGen-approved cardiomyopathy variant curation expert panel (Variation ID: 43100). In summary, this variant meets criteria to be classified as pathogenic for autosomal dominant HCM. ACMG/AMP Criteria applied: PS4, PM1, PM2_Supporting, PP1_Strong, PS3_Supporting.

Victorian Clinical Genetics Services, Murdoch Childrens Research Institute
Classification: Likely pathogenic for Hypertrophic cardiomyopathy 1. Last evaluated: 2022-02-02. Review status: criteria provided, single submitter. Criteria: ACMG Guidelines, 2015. Collection method: clinical testing. Allele origin: germline. Inheritance: Autosomal dominant inheritance. Affected: yes. Not counted in ClinVar's aggregate classification.
Comment: Based on the classification scheme VCGS_Germline_v1.3.4, this variant is classified as likely pathogenic. Following criteria are met: 0105 - The mechanism of disease for this gene is not clearly established, however, missense variants have been proposed to act in a dominant negative manner (PMID: 24714796). (I) 0108 - This gene is associated with both recessive and dominant disease. Pathogenic variants in this gene are usually heterozygous, however a recessive inheritance pattern has been observed in severe cases (OMIM). (I) 0112 - The condition associated with this gene has incomplete penetrance (PMID: 29300372). (I) 0200 - Variant is predicted to result in a missense amino acid change from aspartic acid to asparagine. (I) 0251 - This variant is heterozygous. (I) 0302 - Variant is present in gnomAD (v2) <0.001 for a dominant condition (1 heterozygote, 0 homozygotes). (SP) 0502 - Missense variant with conflicting in silico predictions and uninformative conservation. (I) 0602 - Variant is located in a hotspot region or cluster of pathogenic variants. This variant is found within the head region, which is enriched with pathogenic missense variants (PMID: 29300372). (SP) 0710 - Another missense variant comparable to the one identified in this case has inconclusive previous evidence for pathogenicity. An alternative change to a glutamic acid has been reported as a VUS in a HCM proband (PMID: 27247418). (I) 0801 - This variant has strong previous evidence of pathogenicity in unrelated individuals. This variant has been reported in multiple individuals with HCM (PMID: 27532257, 28615295, 21896538, 27247418, 26914223, ClinVar) and has been classified as likely pathogenic by the ClinGen cardiomyopathy variant curation expert panel. (SP) 0902 - This variant has moderate evidence for segregation with disease. This variant has been shown to segregate with HCM in five individuals from two families (PMID: 28615295, PMID: 21896538). (SP) 1002 - This variant has moderate functional evidence supporting abnormal protein function. Functional analysis in mouse myoblast cells showed that this variant significant increased actin gliding velocity, intrinsic force, and ATPase activity compared to wild type (PMID: 27974200). (SP) 1208 - Inheritance information for this variant is not currently available in this individual. (I) Legend: (SP) - Supporting pathogenic, (I) - Information, (SB) - Supporting benign

CHEO Genetics Diagnostic Laboratory, Children's Hospital of Eastern Ontario
Classification: Pathogenic for Cardiomyopathy. Last evaluated: 2020-02-14. Review status: criteria provided, single submitter. Criteria: ACMG Guidelines, 2015. Collection method: clinical testing. Allele origin: germline. Not counted in ClinVar's aggregate classification.

Color Diagnostics, LLC DBA Color Health
Classification: Likely pathogenic for Cardiomyopathy. Last evaluated: 2019-10-18. Review status: criteria provided, single submitter. Criteria: ACMG Guidelines, 2015. Collection method: clinical testing. Allele origin: germline. Not counted in ClinVar's aggregate classification.
Comment: This missense variant replaces aspartic acid with asparagine at codon 239 of the MYH7 protein. Computational prediction is inconclusive regarding the impact of this variant on protein structure and function (internally defined REVEL score threshold 0.5 < inconclusive < 0.7, PMID: 27666373). Splice site prediction tools suggest that this variant may not impact RNA splicing. A functional study has shown that this variant affects the protein normal function by significantly increases actin-activated ATPase activity and actin gliding velocities compared to the wild type protein (PMID: 27974200). This variant has been reported in over ten individuals affected with hypertrophic cardiomyopathy (PMID: 20031618, 21896538, 26914223, 27247418, 27532257, 28138913, Color internal data) and arrhythmia (PMID: 26743238). This variant has been identified in 1/251496 chromosomes in the general population by the Genome Aggregation Database (gnomAD). Based on the available evidence, this variant is classified as Likely Pathogenic.

Mendelics
Classification: Likely pathogenic for Hypertrophic cardiomyopathy 1. Last evaluated: 2019-05-28. Review status: criteria provided, single submitter. Criteria: Mendelics Assertion Criteria 2017. Collection method: clinical testing. Allele origin: unknown. Not counted in ClinVar's aggregate classification.

Agnes Ginges Centre for Molecular Cardiology, Centenary Institute
Classification: Pathogenic for Hypertrophic cardiomyopathy 1. Last evaluated: 2019-02-04. Review status: criteria provided, single submitter. Criteria: ACMG Guidelines, 2015. Collection method: research. Allele origin: germline. Inheritance: Autosomal dominant inheritance. Affected: yes. Not counted in ClinVar's aggregate classification.
Comment: MYH7 Asp239Asn has been previously reported in multiple HCM cases (Walsh et al., 2017; Adler et al., 2016; Murphy et al., 2016; Garcia-Pavia et al., 2011; Kaski et al., 2009; Iascone et al., 2007) and has been found to segregate in their families (Garcia-Pavia et al., 2011; Ambry, ClinVar SCV000740109.2). This variant is present in the Genome Aggregation Database at an allele frequency of 0.000004. An in vitro functional study showed that the variant results in higher actin activated ATPase activity, higher actin gliding velocities and increased intrinsic force of the protein which results in hypercontractility (Adhikari et al., 2016). In a large HCM population study Walsh et al., showed that MYH7 variants identified in HCM cases were found to cluster between amino acids 181- 937 (2017), this implies that variants in this region are likely to cause a HCM phenotype. In silico tools PolyPhen2 and MutationTaster predict this variant to be deleterious, however SIFT predicts it to be "Tolerated". Based on the adapted ACMG criteria (Kelly MA, et al., 2018) this variant has been identified in at least 12 HCM probands without additional variants (PS4_moderate), shown to segregate strongly with disease across multiple families (PP1_Supporting), has been shown to have a damaging affect on protein in a functional study (PS3), it is located in a mutational hotspot (PM1) and is rare in the general population (PM2), therefore we classify MYH7 Asp239Asn as 'pathogenic'.

Fulgent Genetics
Classification: Likely pathogenic for MYH7-related skeletal myopathy; Myosin storage myopathy; Hypertrophic cardiomyopathy 1; Myopathy, myosin storage, autosomal recessive; Congenital myopathy 4A, autosomal dominant; Dilated cardiomyopathy 1S. Last evaluated: 2018-10-31. Review status: criteria provided, single submitter. Criteria: ACMG Guidelines, 2015. Collection method: clinical testing. Allele origin: unknown. Not counted in ClinVar's aggregate classification.

Literature cited by the submitters: PubMed 20031618 (cited by 4 submitters); PubMed 21896538 (cited by 5 submitters); PubMed 26743238 (cited by 4 submitters); PubMed 26914223 (cited by 5 submitters); PubMed 27247418 (cited by 4 submitters); PubMed 27532257 (cited by 5 submitters); PubMed 27974200 (cited by 5 submitters); PubMed 17438619 (cited by 3 submitters); PubMed 28138913 (cited by Ambry Genetics); PubMed 28408708 (cited by Ambry Genetics and Agnes Ginges Centre for Molecular Cardiology, Centenary Institute); PubMed 28615295 (cited by 3 submitters); PubMed 31006259 (cited by Ambry Genetics); PubMed 24714796 (cited by Victorian Clinical Genetics Services, Murdoch Childrens Research Institute); PubMed 29300372 (cited by Victorian Clinical Genetics Services, Murdoch Childrens Research Institute); PubMed 25351510 (cited by Agnes Ginges Centre for Molecular Cardiology, Centenary Institute).